The following is an entry in ClinVar:

NM_000081.4(LYST):c.4123C>A (p.Leu1375Ile)

Gene: LYST (lysosomal trafficking regulator; minus strand). Cytogenetic location: 1q42.3.
Variant type: single nucleotide variant.
Coding change: c.4123C>A on transcript NM_000081.4 (MANE Select); coding-DNA position 4123, C replaced by A.
Protein change: p.Leu1375Ile; replaces leucine 1375 with isoleucine.
Molecular consequence: missense variant.
Genome position (GRCh38, 1-based): chr1:235,792,119, G>T on the plus strand (C>A on the coding strand, the complement: LYST is on the minus strand). VCF-style: chr1-235792119-G-T. GRCh37 (hg19) VCF-style: chr1-235955419-G-T.
Other names: c.4123C>A, p.Leu1375Ile (NM_001301365.1); short protein forms L1375I.
Identifiers: ClinVar variation 1930207 (VCV001930207.3), dbSNP rs750898732, ClinGen allele CA1466907.

ClinVar aggregate classification (germline): Uncertain significance (1 of 4 stars; one submission).

Conditions:
Chédiak-Higashi syndrome (CHS). Also called: Chediak-Higashi Syndrome. Identifiers: Orphanet 167, MedGen C0007965, MONDO:0008963, OMIM 214500.

Allele frequency attached by ClinVar (database versions not stated): gnomAD 0.00001; TOPMed 0.00001; ExAC 0.00002; gnomAD exomes 0.00003.
gnomAD v4.1: 40 of 1,595,232 alleles (0.0025%); highest among the groups gnomAD compares: Non-Finnish European, 0.0022%; no homozygotes.

Submission:

Labcorp Genetics (formerly Invitae), Labcorp
Classification: Uncertain significance for Chédiak-Higashi syndrome. Last evaluated: 2024-11-05. Review status: criteria provided, single submitter. Criteria: Invitae Variant Classification Sherloc (09022015). Collection method: clinical testing. Allele origin: germline.
Comment: This sequence change replaces leucine, which is neutral and non-polar, with isoleucine, which is neutral and non-polar, at codon 1375 of the LYST protein (p.Leu1375Ile). This variant is present in population databases (rs750898732, gnomAD 0.02%). This variant has not been reported in the literature in individuals affected with LYST-related conditions. ClinVar contains an entry for this variant (Variation ID: 1930207). Invitae Evidence Modeling of protein sequence and biophysical properties (such as structural, functional, and spatial information, amino acid conservation, physicochemical variation, residue mobility, and thermodynamic stability) indicates that this missense variant is not expected to disrupt LYST protein function with a negative predictive value of 80%. In summary, the available evidence is currently insufficient to determine the role of this variant in disease. Therefore, it has been classified as a Variant of Uncertain Significance.